The following is an entry in ClinVar:

ClinVar aggregate classification (germline): Uncertain significance. Review status: criteria provided, multiple submitters, no conflicts (2 of 4 stars). 2 submissions from 2 submitters: Uncertain significance (2). Last evaluated 2025-09-08.

Conditions:
Paroxysmal nonkinesigenic dyskinesia. Also called: Paroxysmal non-kinesigenic dyskinesia. Identifiers: Orphanet 98810, MedGen C1869117, MONDO:0700088.

Allele frequency attached by ClinVar (database versions not stated): ExAC 0.00009; gnomAD exomes 0.00010 and 0.00006; gnomAD 0.00012 and 0.00013; TOPMed 0.00014.
gnomAD v4.1: 152 of 1,587,794 alleles (0.0096%); highest among the groups gnomAD compares: African/African-American, 0.04%; no homozygotes.

Submissions (2):

Labcorp Genetics (formerly Invitae), Labcorp
Classification: Uncertain significance for Paroxysmal nonkinesigenic dyskinesia. Last evaluated: 2025-09-08. Review status: criteria provided, single submitter. Criteria: Invitae Variant Classification Sherloc (09022015). Collection method: clinical testing. Allele origin: germline.
Comment: This sequence change replaces arginine, which is basic and polar, with tryptophan, which is neutral and slightly polar, at codon 322 of the PNKD protein (p.Arg322Trp). This variant is present in population databases (rs751050132, gnomAD 0.04%), and has an allele count higher than expected for a pathogenic variant. This variant has not been reported in the literature in individuals affected with PNKD-related conditions. ClinVar contains an entry for this variant (Variation ID: 567976). Invitae Evidence Modeling of protein sequence and biophysical properties (such as structural, functional, and spatial information, amino acid conservation, physicochemical variation, residue mobility, and thermodynamic stability) indicates that this missense variant is expected to disrupt PNKD protein function with a positive predictive value of 80%. In summary, the available evidence is currently insufficient to determine the role of this variant in disease. Therefore, it has been classified as a Variant of Uncertain Significance.

GeneDx
Classification: Uncertain significance. Last evaluated: 2023-08-02. Review status: criteria provided, single submitter. Criteria: GeneDx Variant Classification Process June 2021. Collection method: clinical testing. Allele origin: germline. Affected: yes.
Comment: In silico analysis supports that this missense variant has a deleterious effect on protein structure/function; Has not been previously published as pathogenic or benign to our knowledge; This variant is associated with the following publications: (PMID: 28440294)

NM_015488.5(PNKD):c.964C>T (p.Arg322Trp)

Genes: CATIP-AS2 (CATIP antisense RNA 2; minus strand), PNKD (PNKD metallo-beta-lactamase domain containing; plus strand). Cytogenetic location: 2q35.
Variant type: single nucleotide variant.
Coding change: c.964C>T on transcript NM_015488.5 (MANE Select); coding-DNA position 964, C replaced by T.
Protein change: p.Arg322Trp; replaces arginine 322 with tryptophan.
Molecular consequence: missense variant.
Genome position (GRCh38, 1-based): chr2:218,344,550, C>T. VCF-style: chr2-218344550-C-T. GRCh37 (hg19) VCF-style: chr2-219209273-C-T.
Other names: c.892C>T, p.Arg298Trp (NM_022572.5); short protein forms R322W, R298W.
Identifiers: ClinVar variation 567976 (VCV000567976.12), dbSNP rs751050132, ClinGen allele CA2104163.